The following is an entry in ClinVar:

ClinVar aggregate classification (germline): Uncertain significance. Review status: criteria provided, multiple submitters, no conflicts (2 of 4 stars). 3 submissions from 3 submitters: Uncertain significance (3). Last evaluated 2023-11-22.

Conditions:
Chédiak-Higashi syndrome (CHS). Also called: Chediak-Higashi Syndrome. Identifiers: Orphanet 167, MedGen C0007965, MONDO:0008963, OMIM 214500.

Allele frequency attached by ClinVar (database versions not stated): ExAC 0.00001; TOPMed 0.00001.
gnomAD v4.1: 18 of 1,613,862 alleles (0.0011%); highest among the groups gnomAD compares: Middle Eastern, 0.033%; no homozygotes.

Submissions (3):

GeneDx
Classification: Uncertain significance. Last evaluated: 2023-11-22. Review status: criteria provided, single submitter. Criteria: GeneDx Variant Classification Process June 2021. Collection method: clinical testing. Allele origin: germline. Affected: yes.
Comment: Has not been previously published as pathogenic or benign to our knowledge; Not observed at a significant frequency in large population cohorts (gnomAD); In silico analysis supports that this missense variant has a deleterious effect on protein structure/function

Labcorp Genetics (formerly Invitae), Labcorp
Classification: Uncertain significance for Chédiak-Higashi syndrome. Last evaluated: 2022-08-05. Review status: criteria provided, single submitter. Criteria: Invitae Variant Classification Sherloc (09022015). Collection method: clinical testing. Allele origin: germline.
Comment: This sequence change replaces arginine, which is basic and polar, with histidine, which is basic and polar, at codon 152 of the LYST protein (p.Arg152His). The frequency data for this variant in the population databases is considered unreliable, as metrics indicate poor data quality at this position in the gnomAD database. This variant has not been reported in the literature in individuals affected with LYST-related conditions. ClinVar contains an entry for this variant (Variation ID: 936767). Algorithms developed to predict the effect of missense changes on protein structure and function are either unavailable or do not agree on the potential impact of this missense change (SIFT: "Tolerated"; PolyPhen-2: "Probably Damaging"; Align-GVGD: "Class C0"). In summary, the available evidence is currently insufficient to determine the role of this variant in disease. Therefore, it has been classified as a Variant of Uncertain Significance.

Blueprint Genetics
Classification: Uncertain significance. Last evaluated: 2021-11-29. Review status: criteria provided, single submitter. Criteria: ACMG Guidelines, 2015. Collection method: clinical testing. Allele origin: germline.

NM_000081.4(LYST):c.455G>A (p.Arg152His)

Gene: LYST (lysosomal trafficking regulator; minus strand). Cytogenetic location: 1q42.3.
Variant type: single nucleotide variant.
Coding change: c.455G>A on transcript NM_000081.4 (MANE Select); coding-DNA position 455, G replaced by A.
Protein change: p.Arg152His; replaces arginine 152 with histidine.
Molecular consequence: missense variant.
Genome position (GRCh38, 1-based): chr1:235,810,363, C>T on the plus strand (G>A on the coding strand, the complement: LYST is on the minus strand). VCF-style: chr1-235810363-C-T. GRCh37 (hg19) VCF-style: chr1-235973663-C-T.
Other names: c.455G>A, p.Arg152His (NM_001301365.1); c.455G>A (NM_000081.2); short protein forms R152H.
Identifiers: ClinVar variation 936767 (VCV000936767.6), dbSNP rs773280934, ClinGen allele CA1467621.